The following is an entry in ClinVar:

NM_013266.4(CTNNA3):c.33C>T (p.Ile11=)

Gene: CTNNA3 (catenin alpha 3; minus strand). Cytogenetic location: 10q21.3.
Variant type: single nucleotide variant.
Coding change: c.33C>T on transcript NM_013266.4 (MANE Select); coding-DNA position 33, C replaced by T.
Protein change: p.Ile11=; no amino-acid change (isoleucine 11 retained).
Molecular consequence: synonymous variant.
Genome position (GRCh38, 1-based): chr10:67,647,481, G>A on the plus strand (C>T on the coding strand, the complement: CTNNA3 is on the minus strand). VCF-style: chr10-67647481-G-A. GRCh37 (hg19) VCF-style: chr10-69407239-G-A.
Other names: c.33C>T, p.Ile11= (NM_001127384.3); c.69C>T, p.Ile23= (NM_001291133.2).
Identifiers: ClinVar variation 240870 (VCV000240870.48), dbSNP rs61735044, ClinGen allele CA5520726.

ClinVar aggregate classification (germline): Benign/Likely benign. Review status: criteria provided, multiple submitters, no conflicts (2 of 4 stars). 10 submissions from 10 submitters: Benign (2); Likely benign (4). 4 of the submissions do not count toward it. Last evaluated 2026-02-03.

Conditions:
Arrhythmogenic right ventricular dysplasia 13. Also called: ARRHYTHMOGENIC RIGHT VENTRICULAR CARDIOMYOPATHY 13; Arrhythmogenic right ventricular dysplasia, familial, 13. Identifiers: MedGen C3810138, MONDO:0000908, OMIM 615616.

Allele frequency attached by ClinVar (database versions not stated): 1000 Genomes Project 30x 0.00031; 1000 Genomes Project 0.00040; gnomAD exomes 0.00167 and 0.00288; ExAC 0.00170; gnomAD 0.00199 and 0.00206; TOPMed 0.00208; ESP Exome Variant Server 0.00254.
gnomAD v4.1: 4,515 of 1,613,200 alleles (0.28%); highest among the groups gnomAD compares: Non-Finnish European, 0.34%; 7 homozygotes.

Submissions (10):

Labcorp Genetics (formerly Invitae), Labcorp
Classification: Benign for Arrhythmogenic right ventricular dysplasia 13. Last evaluated: 2026-02-03. Review status: criteria provided, single submitter. Criteria: Invitae Variant Classification Sherloc (09022015). Collection method: clinical testing. Allele origin: germline.

CeGaT Center for Human Genetics Tuebingen
Classification: Likely benign. Last evaluated: 2025-12-01. Review status: criteria provided, single submitter. Criteria: CeGaT Center For Human Genetics Tuebingen Variant Classification Criteria Version 2. Collection method: clinical testing. Allele origin: germline. Affected: yes. Observed: 7 variant alleles.
Comment: CTNNA3: BP4, BP7

Blueprint Genetics
Classification: Likely benign. Last evaluated: 2024-11-21. Review status: criteria provided, single submitter. Criteria: ACMG Guidelines, 2015. Collection method: clinical testing. Allele origin: germline.

Women's Health and Genetics/Laboratory Corporation of America, LabCorp
Classification: Benign. Last evaluated: 2023-10-29. Review status: criteria provided, single submitter. Criteria: LabCorp Variant Classification Summary - May 2015. Collection method: clinical testing. Allele origin: germline.

Ambry Genetics
Classification: Likely benign. Last evaluated: 2022-02-11. Review status: criteria provided, single submitter. Criteria: Ambry Variant Classification Scheme 2023. Collection method: clinical testing. Allele origin: germline.

GeneDx
Classification: Likely benign. Last evaluated: 2021-01-05. Review status: criteria provided, single submitter. Criteria: GeneDx Variant Classification Process June 2021. Collection method: clinical testing. Allele origin: germline. Affected: yes.

Clinical Genetics DNA and cytogenetics Diagnostics Lab, Erasmus MC, Erasmus Medical Center
Classification: Likely benign. Review status: no assertion criteria provided. Collection method: clinical testing. Allele origin: germline. Affected: yes. Study: VKGL Data-share Consensus. Not counted in ClinVar's aggregate classification.

Clinical Genetics, Academic Medical Center
Classification: Benign. Review status: no assertion criteria provided. Collection method: clinical testing. Allele origin: germline. Affected: yes. Study: VKGL Data-share Consensus. Not counted in ClinVar's aggregate classification.

Diagnostic Laboratory, Department of Genetics, University Medical Center Groningen
Classification: Likely benign. Review status: no assertion criteria provided. Collection method: clinical testing. Allele origin: germline. Affected: yes. Study: VKGL Data-share Consensus. Not counted in ClinVar's aggregate classification.

Joint Genome Diagnostic Labs from Nijmegen and Maastricht, Radboudumc and MUMC+
Classification: Benign. Review status: no assertion criteria provided. Collection method: clinical testing. Allele origin: germline. Affected: yes. Study: VKGL Data-share Consensus. Not counted in ClinVar's aggregate classification.